The following is an entry in ClinVar:

ClinVar aggregate classification (germline): Uncertain significance. Review status: criteria provided, multiple submitters, no conflicts (2 of 4 stars). 2 submissions from 2 submitters: Uncertain significance (2). Last evaluated 2024-01-16.

Conditions:
Pityriasis rubra pilaris (PRP). Also called: Pityriasis rubra pilaris--familial type. Identifiers: Orphanet 2897, MedGen C0032027, MONDO:0100017, OMIM 173200, MONDO:0008251.
Psoriasis 2. Identifiers: MedGen C1864497, MONDO:0011269, OMIM 602723.

Allele frequency attached by ClinVar (database versions not stated): TOPMed below 0.00001; gnomAD 0.00001; gnomAD exomes 0.00001 and 0.00002; ExAC 0.00004.
gnomAD v4.1: 8 of 1,543,590 alleles (0.00052%); highest among the groups gnomAD compares: Admixed American, 0.0019%; no homozygotes.

Submissions (2):

Blueprint Genetics
Classification: Uncertain significance. Last evaluated: 2024-01-16. Review status: criteria provided, single submitter. Criteria: ACMG Guidelines, 2015. Collection method: clinical testing. Allele origin: germline.

Labcorp Genetics (formerly Invitae), Labcorp
Classification: Uncertain significance for Pityriasis rubra pilaris; Psoriasis 2. Last evaluated: 2021-11-30. Review status: criteria provided, single submitter. Criteria: Invitae Variant Classification Sherloc (09022015). Collection method: clinical testing. Allele origin: germline.
Comment: This sequence change replaces methionine, which is neutral and non-polar, with threonine, which is neutral and polar, at codon 895 of the CARD14 protein (p.Met895Thr). This variant is present in population databases (rs773869052, gnomAD 0.006%). This variant has not been reported in the literature in individuals affected with CARD14-related conditions. Algorithms developed to predict the effect of missense changes on protein structure and function are either unavailable or do not agree on the potential impact of this missense change (SIFT: "Deleterious"; PolyPhen-2: "Benign"; Align-GVGD: "Class C0"). In summary, the available evidence is currently insufficient to determine the role of this variant in disease. Therefore, it has been classified as a Variant of Uncertain Significance.

NM_001366385.1(CARD14):c.2684T>C (p.Met895Thr)

Genes: CARD14 (caspase recruitment domain family member 14; plus strand), SGSH (N-sulfoglucosamine sulfohydrolase; minus strand), LOC126862662 (MED14-independent group 3 enhancer GRCh37_chr17:78178385-78179584; plus strand). Cytogenetic location: 17q25.3.
Variant type: single nucleotide variant.
Coding change: c.2684T>C on transcript NM_001366385.1 (MANE Select); coding-DNA position 2684, T replaced by C.
Protein change: p.Met895Thr; replaces methionine 895 with threonine.
Molecular consequence: missense variant. On other transcripts: non-coding transcript variant (1).
Genome position (GRCh38, 1-based): chr17:80,205,645, T>C. VCF-style: chr17-80205645-T-C. GRCh37 (hg19) VCF-style: chr17-78179444-T-C.
Other names: c.2684T>C, p.Met895Thr (NM_024110.4); short protein forms M895T.
Identifiers: ClinVar variation 1354403 (VCV001354403.7), dbSNP rs773869052, ClinGen allele CA8817411.